The following is an entry in ClinVar:

NM_006113.5(VAV3):c.2382C>T (p.Ile794=)

Gene: VAV3 (vav guanine nucleotide exchange factor 3; minus strand). Cytogenetic location: 1p13.3.
Variant type: single nucleotide variant.
Coding change: c.2382C>T on transcript NM_006113.5 (MANE Select); coding-DNA position 2382, C replaced by T.
Protein change: p.Ile794=; no amino-acid change (isoleucine 794 retained).
Molecular consequence: synonymous variant.
Genome position (GRCh38, 1-based): chr1:107,574,167, G>A on the plus strand (C>T on the coding strand, the complement: VAV3 is on the minus strand). VCF-style: chr1-107574167-G-A. GRCh37 (hg19) VCF-style: chr1-108116789-G-A.
Other names: c.702C>T, p.Ile234= (NM_001079874.2).
Identifiers: ClinVar variation 3234375 (VCV003234375.20), dbSNP rs200778284, ClinGen allele CA978033.

ClinVar aggregate classification (germline): Likely benign (1 of 4 stars; one submission).

Allele frequency attached by ClinVar (database versions not stated): gnomAD 0.00016; ExAC 0.00019; ESP Exome Variant Server 0.00023; TOPMed 0.00023; gnomAD exomes 0.00051.
gnomAD v4.1: 785 of 1,613,840 alleles (0.049%); highest among the groups gnomAD compares: Non-Finnish European, 0.061%; no homozygotes.

Submission:

CeGaT Center for Human Genetics Tuebingen
Classification: Likely benign. Last evaluated: 2024-04-01. Review status: criteria provided, single submitter. Criteria: CeGaT Center For Human Genetics Tuebingen Variant Classification Criteria Version 2. Collection method: clinical testing. Allele origin: germline. Affected: yes. Observed: 1 variant allele.
Comment: VAV3: BP4, BP7